The following is an entry in ClinVar:

NM_000135.4(FANCA):c.2062C>G (p.Leu688Val)

Gene: FANCA (FA complementation group A; minus strand). Cytogenetic location: 16q24.3.
Variant type: single nucleotide variant.
Coding change: c.2062C>G on transcript NM_000135.4 (MANE Select); coding-DNA position 2062, C replaced by G.
Protein change: p.Leu688Val; replaces leucine 688 with valine.
Molecular consequence: missense variant.
Genome position (GRCh38, 1-based): chr16:89,771,767, G>C on the plus strand (C>G on the coding strand, the complement: FANCA is on the minus strand). VCF-style: chr16-89771767-G-C. GRCh37 (hg19) VCF-style: chr16-89838175-G-C.
Other names: c.2062C>G, p.Leu688Val (NM_001286167.3); short protein forms L688V.
Identifiers: ClinVar variation 3848276 (VCV003848276.1).

ClinVar aggregate classification (germline): Uncertain significance (1 of 4 stars; one submission).

Conditions:
Inborn genetic diseases. Identifiers: MedGen C0950123, MeSH D030342.

gnomAD v4.1: 3 of 1,614,056 alleles (0.00019%); highest among the groups gnomAD compares: South Asian, 0.0011%; no homozygotes.

Submission:

Ambry Genetics
Classification: Uncertain significance for Inborn genetic diseases. Last evaluated: 2025-03-02. Review status: criteria provided, single submitter. Criteria: Ambry Variant Classification Scheme 2023. Collection method: clinical testing. Allele origin: germline.
Comment: The p.L688V variant (also known as c.2062C>G), located in coding exon 23 of the FANCA gene, results from a C to G substitution at nucleotide position 2062. The leucine at codon 688 is replaced by valine, an amino acid with highly similar properties. This amino acid position is conserved. In addition, the in silico prediction for this alteration is inconclusive. Based on the available evidence, the clinical significance of this variant remains unclear.